The following is an entry in ClinVar:

ClinVar aggregate classification (germline): Uncertain significance. Review status: criteria provided, multiple submitters, no conflicts (2 of 4 stars). 3 submissions from 3 submitters: Uncertain significance (3). Last evaluated 2024-10-23.

Conditions:
Muscle AMP deaminase deficiency (MMDD). Also called: Myoadenylate deaminase deficiency, myopathy due to; Adenosine monophosphate deaminase 1 deficiency; AMP deaminase 1 deficiency; Adenosine Monophosphate Deaminase 1; ADENOSINE MONOPHOSPHATE DEAMINASE-1 DEFICIENCY, MYOPATHY DUE TO; AMPD1 DEFICIENCY. Identifiers: Orphanet 45, MedGen C3714933, MONDO:0014220, OMIM 615511.

Allele frequency attached by ClinVar (database versions not stated): gnomAD 0.00003 and 0.00005; TOPMed 0.00006.
gnomAD v4.1: 83 of 1,613,902 alleles (0.0051%); highest among the groups gnomAD compares: East Asian, 0.04%; 1 homozygote.

Submissions (3):

Blueprint Genetics
Classification: Uncertain significance. Last evaluated: 2024-10-23. Review status: criteria provided, single submitter. Criteria: ACMG Guidelines, 2015. Collection method: clinical testing. Allele origin: germline.

Labcorp Genetics (formerly Invitae), Labcorp
Classification: Uncertain significance for Muscle AMP deaminase deficiency. Last evaluated: 2022-10-25. Review status: criteria provided, single submitter. Criteria: Invitae Variant Classification Sherloc (09022015). Collection method: clinical testing. Allele origin: germline.
Comment: This sequence change replaces arginine, which is basic and polar, with serine, which is neutral and polar, at codon 404 of the AMPD1 protein (p.Arg404Ser). This variant is present in population databases (rs143303551, gnomAD 0.04%). This variant has not been reported in the literature in individuals affected with AMPD1-related conditions. ClinVar contains an entry for this variant (Variation ID: 1373816). Algorithms developed to predict the effect of missense changes on protein structure and function (SIFT, PolyPhen-2, Align-GVGD) all suggest that this variant is likely to be disruptive. In summary, the available evidence is currently insufficient to determine the role of this variant in disease. Therefore, it has been classified as a Variant of Uncertain Significance.

Revvity Omics, Revvity
Classification: Uncertain significance for Muscle AMP deaminase deficiency. Last evaluated: 2020-01-03. Review status: criteria provided, single submitter. Criteria: ACMG Guidelines, 2015. Collection method: clinical testing. Allele origin: germline.

NM_000036.3(AMPD1):c.1111C>A (p.Arg371Ser)

Gene: AMPD1 (adenosine monophosphate deaminase 1; minus strand). Cytogenetic location: 1p13.2.
Variant type: single nucleotide variant.
Coding change: c.1111C>A on transcript NM_000036.3 (MANE Select); coding-DNA position 1111, C replaced by A.
Protein change: p.Arg371Ser; replaces arginine 371 with serine.
Molecular consequence: missense variant.
Genome position (GRCh38, 1-based): chr1:114,678,023, G>T on the plus strand (C>A on the coding strand, the complement: AMPD1 is on the minus strand). VCF-style: chr1-114678023-G-T. GRCh37 (hg19) VCF-style: chr1-115220644-G-T.
Other names: c.1210C>A (NM_000036.2); c.1099C>A, p.Arg367Ser (NM_001172626.2); short protein forms R367S, R371S.
Identifiers: ClinVar variation 1373816 (VCV001373816.6), dbSNP rs143303551, ClinGen allele CA1020210.